The following is an entry in ClinVar:

NM_002430.3(MN1):c.2447A>G (p.Lys816Arg)

Gene: MN1 (MN1 proto-oncogene, transcriptional regulator; minus strand). Cytogenetic location: 22q12.1.
Variant type: single nucleotide variant.
Coding change: c.2447A>G on transcript NM_002430.3 (MANE Select); coding-DNA position 2447, A replaced by G.
Protein change: p.Lys816Arg; replaces lysine 816 with arginine.
Molecular consequence: missense variant.
Genome position (GRCh38, 1-based): chr22:27,798,097, T>C on the plus strand (A>G on the coding strand, the complement: MN1 is on the minus strand). VCF-style: chr22-27798097-T-C. GRCh37 (hg19) VCF-style: chr22-28194085-T-C.
Other names: short protein forms K816R.
Identifiers: ClinVar variation 3342705 (VCV003342705.2).

ClinVar aggregate classification (germline): Uncertain significance (1 of 4 stars; one submission).

gnomAD v4.1: 1 of 1,611,330 alleles (0.000062%); highest among the groups gnomAD compares: East Asian, 0.0022%; no homozygotes.

Submission:

GeneDx
Classification: Uncertain significance. Last evaluated: 2026-02-05. Review status: criteria provided, single submitter. Criteria: GeneDx Variant Classification Process June 2021. Collection method: clinical testing. Allele origin: germline.
Comment: Not observed at significant frequency in large population cohorts (gnomAD); In silico analysis suggests that this missense variant does not alter protein structure/function; Has not been previously published as pathogenic or benign to our knowledge